The following is an entry in ClinVar:

NM_138694.4(PKHD1):c.6074A>G (p.Tyr2025Cys)

Gene: PKHD1 (PKHD1 ciliary IPT domain containing fibrocystin/polyductin; minus strand). Cytogenetic location: 6p12.2.
Variant type: single nucleotide variant.
Coding change: c.6074A>G on transcript NM_138694.4 (MANE Select); coding-DNA position 6074, A replaced by G.
Protein change: p.Tyr2025Cys; replaces tyrosine 2025 with cysteine.
Molecular consequence: missense variant.
Genome position (GRCh38, 1-based): chr6:51,934,157, T>C on the plus strand (A>G on the coding strand, the complement: PKHD1 is on the minus strand). VCF-style: chr6-51934157-T-C. GRCh37 (hg19) VCF-style: chr6-51798955-T-C.
Other names: c.6074A>G, p.Tyr2025Cys (NM_170724.3); short protein forms Y2025C.
Identifiers: ClinVar variation 552140 (VCV000552140.12), dbSNP rs1554144226, ClinGen allele CA364417659.

ClinVar aggregate classification (germline): Conflicting classifications of pathogenicity. Review status: criteria provided, conflicting classifications (1 of 4 stars). 7 submissions from 7 submitters: Likely pathogenic (4); Uncertain significance (2). 1 of the submissions does not count toward it. Last evaluated 2023-08-21.

Conditions:
Polycystic kidney disease 4 (PKD4). Also called: Autosomal Recessive Polycystic Kidney Disease – PKHD1; POLYCYSTIC KIDNEY AND HEPATIC DISEASE 1; POLYCYSTIC KIDNEY DISEASE, INFANTILE, TYPE I; POLYCYSTIC KIDNEY DISEASE 4 WITH OR WITHOUT POLYCYSTIC LIVER DISEASE; PKD3. Identifiers: MedGen C4540575, MONDO:0033004, OMIM 263200.
Autosomal recessive polycystic kidney disease (ARPKD). Also called: AR polycystic kidney disease. Identifiers: Orphanet 731, Orphanet 8378, MedGen C0085548, MeSH D017044, MONDO:0009889.

Allele frequency attached by ClinVar (database versions not stated): gnomAD exomes 0.00001.
gnomAD v4.1: 10 of 1,613,904 alleles (0.00062%); highest among the groups gnomAD compares: African/African-American, 0.0027%; no homozygotes.

Submissions (7):

Labcorp Genetics (formerly Invitae), Labcorp
Classification: Likely pathogenic for Autosomal recessive polycystic kidney disease. Last evaluated: 2023-08-21. Review status: criteria provided, single submitter. Criteria: Invitae Variant Classification Sherloc (09022015). Collection method: clinical testing. Allele origin: germline.
Comment: In summary, the currently available evidence indicates that the variant is pathogenic, but additional data are needed to prove that conclusively. Therefore, this variant has been classified as Likely Pathogenic. Advanced modeling of protein sequence and biophysical properties (such as structural, functional, and spatial information, amino acid conservation, physicochemical variation, residue mobility, and thermodynamic stability) performed at Invitae indicates that this missense variant is expected to disrupt PKHD1 protein function. This sequence change replaces tyrosine, which is neutral and polar, with cysteine, which is neutral and slightly polar, at codon 2025 of the PKHD1 protein (p.Tyr2025Cys). This variant is not present in population databases (gnomAD no frequency). This missense change has been observed in individual(s) with polycystic kidney disease (PMID: 24162162). In at least one individual the data is consistent with being in trans (on the opposite chromosome) from a pathogenic variant. ClinVar contains an entry for this variant (Variation ID: 552140).

Neuberg Centre For Genomic Medicine, NCGM
Classification: Uncertain significance for Polycystic kidney disease 4. Last evaluated: 2023-06-22. Review status: criteria provided, single submitter. Criteria: ACMG Guidelines, 2015. Collection method: clinical testing. Allele origin: germline. Inheritance: Autosomal recessive inheritance. Affected: yes.
Comment: The missense c.6074A>G(p.Tyr2025Cys) variant in PKHD1 gene has been reported previously in compound heterozygous state in individual(s) affected with polycystic kidney disease (Krall P, et al. 2014). The p.Tyr2025Cys variant is absent in gnomAD Exomes. This variant has been reported to the ClinVar database as Likely Pathogenic / Uncertain Significance. Multiple lines of computational evidences (Polyphen - Probably damaging, SIFT - Damaging and MutationTaster - Disease causing) predict a damaging effect on protein structure and function for this variant. The reference amino acid at this position on PKHD1 gene is predicted as conserved by GERP++ and PhyloP across 100 vertebrates. The amino acid Tyr at position 2025 is changed to a Cys changing protein sequence and it might alter its composition and physico-chemical properties. Additional functional studies will be required to prove the pathogenicity of this variant conclusively. For these reasons, this variant has been classified as a Variant of Uncertain Significance (VUS).

GeneDx
Classification: Likely pathogenic. Last evaluated: 2023-05-11. Review status: criteria provided, single submitter. Criteria: GeneDx Variant Classification Process June 2021. Collection method: clinical testing. Allele origin: germline. Affected: yes.
Comment: Identified in the presence of a second PKHD1 variant, phase unknown, in a patient with polycystic kidney disease in published literature (Krall et al., 2014); Not observed at significant frequency in large population cohorts (gnomAD); In silico analysis supports that this missense variant has a deleterious effect on protein structure/function; This variant is associated with the following publications: (PMID: 24162162)

Women's Health and Genetics/Laboratory Corporation of America, LabCorp
Classification: Likely pathogenic for Autosomal recessive polycystic kidney disease. Last evaluated: 2021-04-06. Review status: criteria provided, single submitter. Criteria: LabCorp Variant Classification Summary - May 2015. Collection method: clinical testing. Allele origin: germline.
Comment: Variant summary: PKHD1 c.6074A>G (p.Tyr2025Cys) results in a non-conservative amino acid change located in the G8 domain (IPR019316) of the encoded protein sequence. Five of five in-silico tools predict a damaging effect of the variant on protein function. The variant was absent in 251546 control chromosomes (gnomAD and publication data). The available data on variant occurrences in the general population are insufficient to allow any conclusion about variant significance. c.6074A>G has been reported in the literature in at-least one case of a proband affected with features of autosomal recessive polycystic kidney disease to include kidney and liver involvement (PKD/CHF), pulmonary hypoplasia, oligohydramnios and perinatal death (Krall_2014). These data indicate that the variant is very likely to be associated with disease. To our knowledge, no experimental evidence demonstrating an impact on protein function has been reported. One ClinVar submitter (evaluation after 2014) cites the variant as uncertain significance. Based on the evidence outlined above, the variant was classified as likely pathogenic.

Department of Pathology and Laboratory Medicine, Sinai Health System
Classification: Uncertain significance for Polycystic kidney disease 4. Last evaluated: 2017-08-28. Review status: criteria provided, single submitter. Criteria: ACMG Guidelines, 2015. Collection method: clinical testing. Allele origin: germline. Affected: yes.

Juno Genomics, Hangzhou Juno Genomics, Inc
Classification: Likely pathogenic for Polycystic kidney disease 4. Review status: criteria provided, single submitter. Criteria: ACMG Guidelines, 2015. Collection method: clinical testing. Allele origin: germline.
Comment: Absent from controls (or at extremely low frequency if recessive) in Genome Aggregation Database.;Multiple lines of computational evidence support a deleterious effect on the gene or gene product.;For recessive disorders, detected in trans with a pathogenic variant.;Patient's phenotype or family history is highly specific for a disease with a single genetic etiology.

Counsyl
Classification: Uncertain significance for Polycystic kidney disease 4. Last evaluated: 2017-05-30. Review status: no assertion criteria provided. Collection method: clinical testing. Allele origin: unknown. Not counted in ClinVar's aggregate classification.

Literature cited by the submitters: PubMed 24162162 (cited by 4 submitters).